The following is an entry in ClinVar:

ClinVar aggregate classification (germline): Uncertain significance (1 of 4 stars; one submission).

Submission:

Labcorp Genetics (formerly Invitae), Labcorp
Classification: Uncertain significance. Last evaluated: 2026-02-02. Review status: criteria provided, single submitter. Criteria: Invitae Variant Classification Sherloc (09022015). Collection method: clinical testing. Allele origin: germline.
Comment: This sequence change replaces threonine, which is neutral and polar, with methionine, which is neutral and non-polar, at codon 239 of the POLR3F protein (p.Thr239Met). This variant is present in population databases (no rsID available, gnomAD 0.007%). This variant has not been reported in the literature in individuals affected with POLR3F-related conditions. ClinVar contains an entry for this variant (Variation ID: 2906244). Experimental studies and prediction algorithms are not available or were not evaluated, and the functional significance of this variant is currently unknown. In summary, the available evidence is currently insufficient to determine the role of this variant in disease. Therefore, it has been classified as a Variant of Uncertain Significance.

NM_006466.4(POLR3F):c.839_840inv (p.Thr280Met)

Gene: POLR3F (RNA polymerase III subunit F; plus strand). Cytogenetic location: 20p11.23.
Variant type: Inversion.
Coding change: c.839_840inv on transcript NM_006466.4 (MANE Select).
Protein change: p.Thr280Met; replaces threonine 280 with methionine.
Molecular consequence: missense variant. On other transcripts: non-coding transcript variant (1).
Genome position: GRCh38 VCF-style: chr20-18481776-CA-TG. GRCh37 (hg19) VCF-style: chr20-18462420-CA-TG.
Other names: c.716_717inv, p.Thr239Met (NM_001282526.2); c.695_696inv, p.Thr232Met (NM_001410821.1); c.716_717delinsTG (NM_001282526.1); short protein forms T239M, T280M, T232M.
Identifiers: ClinVar variation 2906244 (VCV002906244.4), ClinGen allele CA2739277085.
Genomic context (GRCh38, chr20:18,481,776, plus strand): 5'-TTGGCAGTGTAGATGGACACATGAAACTGTACAGGGCAGTCAATCCAATCATCCCTCCCA[CA>TG]GGTTTGGTCCGGGCACCCTGTGGACTCTGCCCGGTGAGTTAAAGTGGCTTCACTTTACAC-3'
Protein context (NP_006457.2, residues 270-290): YRAVNPIIPP[Thr280Met]GLVRAPCGLC